The following is an entry in ClinVar:

ClinVar aggregate classification (germline): Benign/Likely benign. Review status: criteria provided, multiple submitters, no conflicts (2 of 4 stars). 3 submissions from 3 submitters: Benign (1); Likely benign (2). Last evaluated 2025-11-05.

Conditions:
CUX2-related disorder. Also called: CUX2-related condition.

Allele frequency attached by ClinVar (database versions not stated): 1000 Genomes Project 30x 0.00016; 1000 Genomes Project 0.00020; gnomAD exomes 0.00020 and 0.00042; ExAC 0.00046; TOPMed 0.00059; gnomAD 0.00072 and 0.00081; ESP Exome Variant Server 0.00081.
gnomAD v4.1: 411 of 1,614,068 alleles (0.025%); highest among the groups gnomAD compares: African/African-American, 0.19%; 1 homozygote.

Submissions (3):

PreventionGenetics, part of Exact Sciences
Classification: Likely benign for CUX2-related condition. Last evaluated: 2025-11-05. Review status: criteria provided, single submitter. Criteria: ACMG Guidelines, 2015. Collection method: clinical testing. Allele origin: germline.
Comment: This variant is classified as likely benign based on ACMG/AMP sequence variant interpretation guidelines (Richards et al. 2015 PMID: 25741868, with internal and published modifications).

Blueprint Genetics
Classification: Likely benign. Last evaluated: 2024-09-11. Review status: criteria provided, single submitter. Criteria: ACMG Guidelines, 2015. Collection method: clinical testing. Allele origin: germline.

CeGaT Center for Human Genetics Tuebingen
Classification: Benign. Last evaluated: 2022-04-01. Review status: criteria provided, single submitter. Criteria: CeGaT Center For Human Genetics Tuebingen Variant Classification Criteria Version 2. Collection method: clinical testing. Allele origin: germline. Affected: yes. Observed: 1 variant allele.
Comment: CUX2: BS1, BS2

NM_015267.4(CUX2):c.4298C>T (p.Pro1433Leu)

Gene: CUX2 (cut like homeobox 2; plus strand). Cytogenetic location: 12q24.12.
Variant type: single nucleotide variant.
Coding change: c.4298C>T on transcript NM_015267.4 (MANE Select); coding-DNA position 4298, C replaced by T.
Protein change: p.Pro1433Leu; replaces proline 1433 with leucine.
Molecular consequence: missense variant.
Genome position (GRCh38, 1-based): chr12:111,348,162, C>T. VCF-style: chr12-111348162-C-T. GRCh37 (hg19) VCF-style: chr12-111785966-C-T.
Other names: c.4112C>T, p.Pro1371Leu (NM_001370598.1); c.4298C>T (NM_015267.3); short protein forms P1371L, P1433L.
Identifiers: ClinVar variation 1694676 (VCV001694676.33), dbSNP rs200547493, ClinGen allele CA6789331.